The following is an entry in ClinVar:

NM_000553.6(WRN):c.504+1G>A

Gene: WRN (WRN RecQ like helicase; plus strand). Cytogenetic location: 8p12.
Variant type: single nucleotide variant.
Coding change: c.504+1G>A on transcript NM_000553.6 (MANE Select); the canonical splice donor site of the intron after coding-DNA position 504, G replaced by A.
Molecular consequence: splice donor variant.
Genome position (GRCh38, 1-based): chr8:31,065,064, G>A. VCF-style: chr8-31065064-G-A. GRCh37 (hg19) VCF-style: chr8-30922580-G-A.
Identifiers: ClinVar variation 946109 (VCV000946109.7), dbSNP rs1163988347, ClinGen allele CA370915113.

ClinVar aggregate classification (germline): Likely pathogenic (1 of 4 stars; one submission).

Conditions:
Werner syndrome (WRN). Identifiers: Orphanet 902, MedGen C0043119, MONDO:0010196, OMIM 277700.

gnomAD v4.1: 3 of 1,611,916 alleles (0.00019%); highest among the groups gnomAD compares: Non-Finnish European, 0.00025%; no homozygotes.

Submission:

Labcorp Genetics (formerly Invitae), Labcorp
Classification: Likely pathogenic for Werner syndrome. Last evaluated: 2025-07-15. Review status: criteria provided, single submitter. Criteria: Invitae Variant Classification Sherloc (09022015). Collection method: clinical testing. Allele origin: germline.
Comment: This sequence change affects a donor splice site in intron 5 of the WRN gene. RNA analysis indicates that disruption of this splice site induces altered splicing and may result in an absent or altered protein product. This variant is not present in population databases (gnomAD no frequency). This variant has not been reported in the literature in individuals affected with WRN-related conditions. ClinVar contains an entry for this variant (Variation ID: 946109). Studies have shown that disruption of this splice site results in skipping of exon 5, and produces a non-functional protein and/or introduces a premature termination codon (internal data). In summary, the currently available evidence indicates that the variant is pathogenic, but additional data are needed to prove that conclusively. Therefore, this variant has been classified as Likely Pathogenic.